The following is an entry in ClinVar:

NM_000479.5(AMH):c.825-12T>G

Gene: AMH (anti-Mullerian hormone; plus strand). Cytogenetic location: 19p13.3.
Variant type: single nucleotide variant.
Coding change: c.825-12T>G on transcript NM_000479.5 (MANE Select); 12 bases into the intron before coding-DNA position 825, T replaced by G.
Molecular consequence: intron variant.
Genome position (GRCh38, 1-based): chr19:2,251,087, T>G. VCF-style: chr19-2251087-T-G. GRCh37 (hg19) VCF-style: chr19-2251086-T-G.
Identifiers: ClinVar variation 1659714 (VCV001659714.12), dbSNP rs749401185, ClinGen allele CA9062995.

ClinVar aggregate classification (germline): Benign/Likely benign. Review status: criteria provided, multiple submitters, no conflicts (2 of 4 stars). 2 submissions from 2 submitters: Benign (1); Likely benign (1). Last evaluated 2026-03-01.

Allele frequency attached by ClinVar (database versions not stated): TOPMed 0.00079; 1000 Genomes Project 30x 0.00094; gnomAD exomes 0.00152; ExAC 0.00180.
gnomAD v4.1: 313 of 1,539,810 alleles (0.02%); highest among the groups gnomAD compares: Admixed American, 0.57%; 4 homozygotes.

Submissions (2):

CeGaT Center for Human Genetics Tuebingen
Classification: Likely benign. Last evaluated: 2026-03-01. Review status: criteria provided, single submitter. Criteria: CeGaT Center For Human Genetics Tuebingen Variant Classification Criteria Version 2. Collection method: clinical testing. Allele origin: germline. Affected: yes. Observed: 1 variant allele.
Comment: AMH: BS2

Labcorp Genetics (formerly Invitae), Labcorp
Classification: Benign. Last evaluated: 2025-12-28. Review status: criteria provided, single submitter. Criteria: Invitae Variant Classification Sherloc (09022015). Collection method: clinical testing. Allele origin: germline.